The following is an entry in ClinVar:

ClinVar aggregate classification (germline): Uncertain significance (1 of 4 stars; one submission).

Allele frequency attached by ClinVar (database versions not stated): gnomAD exomes below 0.00001; gnomAD 0.00001; ExAC 0.00002.
gnomAD v4.1: 2 of 1,604,984 alleles (0.00012%); highest among the groups gnomAD compares: African/African-American, 0.0013%; no homozygotes.

Submission:

Labcorp Genetics (formerly Invitae), Labcorp
Classification: Uncertain significance. Last evaluated: 2020-06-03. Review status: criteria provided, single submitter. Criteria: Invitae Variant Classification Sherloc (09022015). Collection method: clinical testing. Allele origin: germline.
Comment: In summary, the available evidence is currently insufficient to determine the role of this variant in disease. Therefore, it has been classified as a Variant of Uncertain Significance. Algorithms developed to predict the effect of missense changes on protein structure and function (SIFT, PolyPhen-2, Align-GVGD) all suggest that this variant is likely to be tolerated, but these predictions have not been confirmed by published functional studies and their clinical significance is uncertain. This variant has not been reported in the literature in individuals with NEDD4L-related conditions. The frequency data for this variant in the population databases is considered unreliable, as metrics indicate poor data quality at this position in the ExAC database. This sequence change replaces lysine with glutamic acid at codon 149 of the NEDD4L protein (p.Lys149Glu). The lysine residue is moderately conserved and there is a small physicochemical difference between lysine and glutamic acid.

NM_001144967.3(NEDD4L):c.445A>G (p.Lys149Glu)

Gene: NEDD4L (NEDD4 like E3 ubiquitin protein ligase; plus strand). Cytogenetic location: 18q21.31.
Variant type: single nucleotide variant.
Coding change: c.445A>G on transcript NM_001144967.3 (MANE Select); coding-DNA position 445, A replaced by G.
Protein change: p.Lys149Glu; replaces lysine 149 with glutamic acid.
Molecular consequence: missense variant.
Genome position (GRCh38, 1-based): chr18:58,323,266, A>G. VCF-style: chr18-58323266-A-G. GRCh37 (hg19) VCF-style: chr18-55990498-A-G.
Other names: c.82A>G, p.Lys28Glu (NM_001144964.1, NM_001144965.2, NM_001144966.3 and 2 more transcripts); c.421A>G, p.Lys141Glu (NM_001144968.2, NM_001144969.2); c.445A>G, p.Lys149Glu (NM_001243960.2, NM_015277.6); short protein forms K141E, K149E, K28E.
Identifiers: ClinVar variation 1042274 (VCV001042274.8), dbSNP rs758216461, ClinGen allele CA8975358.